The following is an entry in ClinVar:

NM_025114.4(CEP290):c.1681C>T (p.Gln561Ter)

Gene: CEP290 (centrosomal protein 290; minus strand). Cytogenetic location: 12q21.32.
Variant type: single nucleotide variant.
Coding change: c.1681C>T on transcript NM_025114.4 (MANE Select); coding-DNA position 1681, C replaced by T.
Protein change: p.Gln561Ter; replaces glutamine 561 with a stop codon.
Molecular consequence: nonsense.
Genome position (GRCh38, 1-based): chr12:88,118,513, G>A on the plus strand (C>T on the coding strand, the complement: CEP290 is on the minus strand). VCF-style: chr12-88118513-G-A. GRCh37 (hg19) VCF-style: chr12-88512290-G-A.
Other names: c.1681C>T (NM_025114.3); short protein forms Q561*.
Identifiers: ClinVar variation 2179324 (VCV002179324.7), dbSNP rs1475139450, ClinGen allele CA385978842.

ClinVar aggregate classification (germline): Pathogenic. Review status: criteria provided, multiple submitters, no conflicts (2 of 4 stars). 4 submissions from 4 submitters: Pathogenic (4). Last evaluated 2025-09-22.

Conditions:
CEP290-related ciliopathy. Also called: CEP290 ciliopathy. Identifiers: MedGen CN305601, MONDO:0100451.
Meckel-Gruber syndrome. Also called: DYSENCEPHALIA SPLANCHNOCYSTICA; GRUBER SYNDROME; Dysencephalia splachnocystica. Identifiers: Orphanet 564, MedGen C0265215, MONDO:0018921.
Nephronophthisis. Also called: Juvenile Nephronophthisis. Identifiers: Orphanet 655, MedGen C0687120, MONDO:0019005, HP:0000090.
Joubert syndrome. Also called: JOUBERT-BOLTSHAUSER SYNDROME; Familial aplasia of the vermis. Identifiers: Orphanet 475, MedGen C5979921, MONDO:0018772.
CEP290-related disorder. Also called: CEP290-related condition; CEP290-related disorders. Identifiers: MedGen CN239314.
Bardet-Biedl syndrome 14 (BBS14). Identifiers: Orphanet 110, MedGen C2673874, MONDO:0014442, OMIM 615991.

Allele frequency attached by ClinVar (database versions not stated): gnomAD exomes below 0.00001.
gnomAD v4.1: 5 of 1,566,948 alleles (0.00032%); highest among the groups gnomAD compares: Non-Finnish European, 0.00043%; no homozygotes.

Submissions (4):

PreventionGenetics, part of Exact Sciences
Classification: Pathogenic for CEP290-related condition. Last evaluated: 2025-09-22. Review status: criteria provided, single submitter. Criteria: ACMG Guidelines, 2015. Collection method: clinical testing. Allele origin: germline.
Comment: The CEP290 c.1681C>T variant is predicted to result in premature protein termination (p.Gln561*). This variant was reported, along with a second potentially causative variant in the same gene, in individuals with retinal disease (see, for example, Sheck et al. 2018. PubMed ID: 29398085; Areblom et al. 2023. PubMed ID: 37510321). This variant is reported in 0.0013% of alleles in individuals of European (Non-Finnish) descent in gnomAD. Nonsense variants in CEP290 are expected to be pathogenic. This variant is interpreted as pathogenic.

Myriad Genetics, Inc.
Classification: Pathogenic for CEP290-related ciliopathy. Last evaluated: 2024-05-26. Review status: criteria provided, single submitter. Criteria: Myriad Autosomal Dominant, Autosomal Recessive and X-Linked Classification Criteria (2023). Collection method: clinical testing. Allele origin: unknown.
Comment: NM_025114.3(CEP290):c.1681C>T(Q561*) is expected to be pathogenic in the context of CEP290-related disorders. This variant is predicted to lead to an abnormal or absent protein product due to the creation of a premature termination codon in CEP290, a gene where loss-of-function variants are known to be pathogenic. Please note: this variant was assessed in the context of healthy population screening.

Baylor Genetics
Classification: Pathogenic for Bardet-Biedl syndrome 14. Last evaluated: 2024-01-09. Review status: criteria provided, single submitter. Criteria: ACMG Guidelines, 2015. Collection method: clinical testing. Allele origin: unknown.

Labcorp Genetics (formerly Invitae), Labcorp
Classification: Pathogenic for Joubert syndrome; Meckel-Gruber syndrome; Nephronophthisis. Last evaluated: 2023-05-19. Review status: criteria provided, single submitter. Criteria: Invitae Variant Classification Sherloc (09022015). Collection method: clinical testing. Allele origin: germline.
Comment: For these reasons, this variant has been classified as Pathogenic. ClinVar contains an entry for this variant (Variation ID: 2179324). This premature translational stop signal has been observed in individual(s) with Leber congenital amaurosis (PMID: 29398085). The frequency data for this variant in the population databases is considered unreliable, as metrics indicate poor data quality at this position in the gnomAD database. This sequence change creates a premature translational stop signal (p.Gln561*) in the CEP290 gene. It is expected to result in an absent or disrupted protein product. Loss-of-function variants in CEP290 are known to be pathogenic (PMID: 16909394, 17345604, 20690115).

Literature cited by the submitters: PubMed 29398085 (cited by Labcorp Genetics (formerly Invitae), Labcorp); PubMed 16909394 (cited by Labcorp Genetics (formerly Invitae), Labcorp); PubMed 17345604 (cited by Labcorp Genetics (formerly Invitae), Labcorp); PubMed 20690115 (cited by Labcorp Genetics (formerly Invitae), Labcorp).